The following is an entry in ClinVar:

NM_002439.5(MSH3):c.1814C>A (p.Ser605Tyr)

Gene: MSH3 (mutS homolog 3; plus strand). Cytogenetic location: 5q14.1.
Variant type: single nucleotide variant.
Coding change: c.1814C>A on transcript NM_002439.5 (MANE Select); coding-DNA position 1814, C replaced by A.
Protein change: p.Ser605Tyr; replaces serine 605 with tyrosine.
Molecular consequence: missense variant.
Genome position (GRCh38, 1-based): chr5:80,761,596, C>A. VCF-style: chr5-80761596-C-A. GRCh37 (hg19) VCF-style: chr5-80057415-C-A.
Other names: short protein forms S605Y.
Identifiers: ClinVar variation 3655350 (VCV003655350.2).

ClinVar aggregate classification (germline): Uncertain significance (1 of 4 stars; one submission).

Submission:

Labcorp Genetics (formerly Invitae), Labcorp
Classification: Uncertain significance. Last evaluated: 2024-06-03. Review status: criteria provided, single submitter. Criteria: Invitae Variant Classification Sherloc (09022015). Collection method: clinical testing. Allele origin: germline.
Comment: This sequence change replaces serine, which is neutral and polar, with tyrosine, which is neutral and polar, at codon 605 of the MSH3 protein (p.Ser605Tyr). This variant is not present in population databases (gnomAD no frequency). This variant has not been reported in the literature in individuals affected with MSH3-related conditions. An algorithm developed to predict the effect of missense changes on protein structure and function (PolyPhen-2) suggests that this variant is likely to be disruptive. In summary, the available evidence is currently insufficient to determine the role of this variant in disease. Therefore, it has been classified as a Variant of Uncertain Significance.